The following is an entry in ClinVar:

NC_000007.13:g.(?_117144287)_(117144437_?)del

Gene: CFTR (CF transmembrane conductance regulator; plus strand). Cytogenetic location: 7q31.2.
Variant type: Deletion.
Identifiers: ClinVar variation 3245670 (VCV003245670.1).

ClinVar aggregate classification (germline): Pathogenic (1 of 4 stars; one submission).

Conditions:
Cystic fibrosis (CF). Also called: MUCOVISCIDOSIS. Identifiers: Orphanet 586, MedGen C0010674, MONDO:0009061, OMIM 219700. Disease mechanism: loss of function.

Submission:

Labcorp Genetics (formerly Invitae), Labcorp
Classification: Pathogenic for Cystic fibrosis. Last evaluated: 2023-08-07. Review status: criteria provided, single submitter. Criteria: Invitae Variant Classification Sherloc (09022015). Collection method: clinical testing. Allele origin: unknown.
Comment: This variant is a gross deletion of the genomic region encompassing exon(s) 2 of the CFTR gene. This variant would be expected to be in-frame, preserving the integrity of the reading frame. For these reasons, this variant has been classified as Pathogenic. This variant disrupts the p.Ser50 amino acid residue in CFTR. Other variant(s) that disrupt this residue have been determined to be pathogenic (PMID: 10612827, 10875853, 25697318). This suggests that this residue is clinically significant, and that variants that disrupt this residue are likely to be disease-causing. A similar copy number variant has been observed in individuals with cystic fibrosis, pancreatic insufficiency, and congenital absence of vas deferens (PMID: 15520400, 16931591, 17448246, 22658665).

Literature cited by the submitters: PubMed 10612827; PubMed 10875853; PubMed 25697318; PubMed 15520400; PubMed 16931591; PubMed 17448246; PubMed 22658665.